The following is an entry in ClinVar:

ClinVar aggregate classification (germline): Uncertain significance (1 of 4 stars; one submission).

gnomAD v4.1: 1 of 1,614,044 alleles (0.000062%); no homozygotes.

Submission:

CeGaT Center for Human Genetics Tuebingen
Classification: Uncertain significance. Last evaluated: 2022-05-01. Review status: criteria provided, single submitter. Criteria: CeGaT Center For Human Genetics Tuebingen Variant Classification Criteria Version 2. Collection method: clinical testing. Allele origin: germline. Affected: yes. Observed: 1 variant allele.
Comment: LRP4: PM2, BP4

NM_002334.4(LRP4):c.1031G>A (p.Ser344Asn)

Gene: LRP4 (LDL receptor related protein 4; minus strand). Cytogenetic location: 11p11.2.
Variant type: single nucleotide variant.
Coding change: c.1031G>A on transcript NM_002334.4 (MANE Select); coding-DNA position 1031, G replaced by A.
Protein change: p.Ser344Asn; replaces serine 344 with asparagine.
Molecular consequence: missense variant.
Genome position (GRCh38, 1-based): chr11:46,896,227, C>T on the plus strand (G>A on the coding strand, the complement: LRP4 is on the minus strand). VCF-style: chr11-46896227-C-T. GRCh37 (hg19) VCF-style: chr11-46917778-C-T.
Other names: short protein forms S344N.
Identifiers: ClinVar variation 2641756 (VCV002641756.24), dbSNP rs2539770275, ClinGen allele CA380287534.
Genomic context (GRCh38, chr11:46,896,227, plus strand): 5'-GGCCACAAACCATGGGCCAGGTCCGCCCACTGGGGACACTCACGGCAATTCTGCTGTGGG[C>T]TTTCGTCGCTGTTGTCACCACAGTCGTTGACCCCGTTGCACAGCTTCCTCTGCCCAATGC-3'
Protein context (NP_002325.2, residues 334-354): VNDCGDNSDE[Ser344Asn]PQQNCRPRTG